The following is an entry in ClinVar:

NM_001211.6(BUB1B):c.1264A>G (p.Lys422Glu)

Gene: BUB1B (BUB1 mitotic checkpoint serine/threonine kinase B; plus strand). Cytogenetic location: 15q15.1.
Variant type: single nucleotide variant.
Coding change: c.1264A>G on transcript NM_001211.6 (MANE Select); coding-DNA position 1264, A replaced by G.
Protein change: p.Lys422Glu; replaces lysine 422 with glutamic acid.
Molecular consequence: missense variant.
Genome position (GRCh38, 1-based): chr15:40,196,750, A>G. VCF-style: chr15-40196750-A-G. GRCh37 (hg19) VCF-style: chr15-40488951-A-G.
Other names: short protein forms K422E.
Identifiers: ClinVar variation 3826103 (VCV003826103.1).

ClinVar aggregate classification (germline): Uncertain significance (1 of 4 stars; one submission).

Conditions:
Inborn genetic diseases. Identifiers: MedGen C0950123, MeSH D030342.

Submission:

Ambry Genetics
Classification: Uncertain significance for Inborn genetic diseases. Last evaluated: 2025-01-20. Review status: criteria provided, single submitter. Criteria: Ambry Variant Classification Scheme 2023. Collection method: clinical testing. Allele origin: germline.
Comment: The p.K422E variant (also known as c.1264A>G), located in coding exon 9 of the BUB1B gene, results from an A to G substitution at nucleotide position 1264. The lysine at codon 422 is replaced by glutamic acid, an amino acid with similar properties. This amino acid position is conserved. In addition, this alteration is predicted to be tolerated by in silico analysis. Based on the available evidence, the clinical significance of this variant remains unclear.